The following is an entry in ClinVar:

NM_014991.6(WDFY3):c.2143T>G (p.Leu715Val)

Genes: WDFY3 (WD repeat and FYVE domain containing 3; minus strand), WDFY3-AS1 (WDFY3 antisense RNA 1; plus strand). Cytogenetic location: 4q21.23.
Variant type: single nucleotide variant.
Coding change: c.2143T>G on transcript NM_014991.6 (MANE Select); coding-DNA position 2143, T replaced by G.
Protein change: p.Leu715Val; replaces leucine 715 with valine.
Molecular consequence: missense variant. On other transcripts: non-coding transcript variant (1).
Genome position (GRCh38, 1-based): chr4:84,810,089, A>C on the plus strand (T>G on the coding strand, the complement: WDFY3 is on the minus strand). VCF-style: chr4-84810089-A-C. GRCh37 (hg19) VCF-style: chr4-85731242-A-C.
Other names: short protein forms L715V.
Identifiers: ClinVar variation 2446065 (VCV002446065.1), dbSNP rs758215163, ClinGen allele CA357568247.

ClinVar aggregate classification (germline): Uncertain significance (1 of 4 stars; one submission).

Allele frequency attached by ClinVar (database versions not stated): gnomAD exomes below 0.00001.
gnomAD v4.1: 5 of 1,614,176 alleles (0.00031%); highest among the groups gnomAD compares: Non-Finnish European, 0.00042%; no homozygotes.

Submission:

GeneDx
Classification: Uncertain significance. Last evaluated: 2022-09-22. Review status: criteria provided, single submitter. Criteria: GeneDx Variant Classification Process June 2021. Collection method: clinical testing. Allele origin: germline. Affected: yes.
Comment: Not observed at significant frequency in large population cohorts (gnomAD); In silico analysis supports that this missense variant does not alter protein structure/function; Has not been previously published as pathogenic or benign to our knowledge; This variant is associated with the following publications: (PMID: 34285244)